The following is an entry in ClinVar:

NM_003072.5(SMARCA4):c.1245+4G>A

Gene: SMARCA4 (SWI/SNF related BAF chromatin remodeling complex subunit ATPase 4; plus strand). Cytogenetic location: 19p13.2.
Variant type: single nucleotide variant.
Coding change: c.1245+4G>A on transcript NM_003072.5 (MANE Select); 4 bases into the intron after coding-DNA position 1245, G replaced by A.
Molecular consequence: intron variant.
Genome position (GRCh38, 1-based): chr19:10,989,447, G>A. VCF-style: chr19-10989447-G-A. GRCh37 (hg19) VCF-style: chr19-11100123-G-A.
Other names: c.1245+4G>A (NM_001128849.1, NM_001128844.3, NM_001128849.3 and 6 more transcripts).
Identifiers: ClinVar variation 1056328 (VCV001056328.10), dbSNP rs2145850485, ClinGen allele CA2499225270.
Genomic context (GRCh38, chr19:10,989,447, plus strand): 5'-CGAACCAAAGCGACCATTGAGCTCAAGGCCCTCAGGCTGCTGAACTTCCAGAGGCAGGTG[G>A]GTGCTGGCATGGCCGCAGCTTTCCGAAAAGGGCCTTTGTCACCAACACTGCTGCTAAGGC-3'

ClinVar aggregate classification (germline): Uncertain significance. Review status: criteria provided, multiple submitters, no conflicts (2 of 4 stars). 2 submissions from 2 submitters: Uncertain significance (2). Last evaluated 2025-12-10.

Conditions:
Hereditary cancer-predisposing syndrome. Also called: Hereditary Cancer Syndrome; Tumor predisposition; Hereditary neoplastic syndrome; Neoplastic Syndromes, Hereditary. Identifiers: Orphanet 140162, MedGen C0027672, MeSH D009386, MONDO:0015356.
Rhabdoid tumor predisposition syndrome 2 (RTPS2). Identifiers: Orphanet 231108, Orphanet 69077, MedGen C2750074, MONDO:0013224, OMIM 613325.

Submissions (2):

Ambry Genetics
Classification: Uncertain significance for Hereditary cancer-predisposing syndrome. Last evaluated: 2025-12-10. Review status: criteria provided, single submitter. Criteria: Ambry Variant Classification Scheme 2023. Collection method: clinical testing. Allele origin: germline.
Comment: The c.1245+4G>A intronic variant results from a G to A substitution 4 nucleotides after coding exon 6 in the SMARCA4 gene. This nucleotide position is well conserved in available vertebrate species. In silico splice site analysis predicts that this alteration will not have any significant effect on splicing. Based on the available evidence, the clinical significance of this variant remains unclear.

Labcorp Genetics (formerly Invitae), Labcorp
Classification: Uncertain significance for Rhabdoid tumor predisposition syndrome 2. Last evaluated: 2021-05-21. Review status: criteria provided, single submitter. Criteria: Invitae Variant Classification Sherloc (09022015). Collection method: clinical testing. Allele origin: germline.
Comment: This sequence change falls in intron 7 of the SMARCA4 gene. It does not directly change the encoded amino acid sequence of the SMARCA4 protein, but it affects a nucleotide within the consensus splice site of the intron. In summary, the available evidence is currently insufficient to determine the role of this variant in disease. Therefore, it has been classified as a Variant of Uncertain Significance. Nucleotide substitutions within the consensus splice site are a relatively common cause of aberrant splicing (PMID: 17576681, 9536098). Algorithms developed to predict the effect of sequence changes on RNA splicing suggest that this variant is not likely to affect RNA splicing, but this prediction has not been confirmed by published transcriptional studies. This variant has not been reported in the literature in individuals with SMARCA4-related disease. This variant is not present in population databases (ExAC no frequency).

Literature cited by the submitters: PubMed 17576681 (cited by Labcorp Genetics (formerly Invitae), Labcorp); PubMed 9536098 (cited by Labcorp Genetics (formerly Invitae), Labcorp).